The following is an entry in ClinVar:

ClinVar aggregate classification (germline): Uncertain significance. Review status: criteria provided, multiple submitters, no conflicts (2 of 4 stars). 2 submissions from 2 submitters: Uncertain significance (2). Last evaluated 2025-02-23.

Allele frequency attached by ClinVar (database versions not stated): gnomAD 0.00001 and 0.00003; 1000 Genomes Project 30x 0.00031.
gnomAD v4.1: 24 of 1,419,688 alleles (0.0017%); highest among the groups gnomAD compares: East Asian, 0.049%; no homozygotes.

Submissions (2):

Labcorp Genetics (formerly Invitae), Labcorp
Classification: Uncertain significance. Last evaluated: 2025-02-23. Review status: criteria provided, single submitter. Criteria: Invitae Variant Classification Sherloc (09022015). Collection method: clinical testing. Allele origin: germline.
Comment: This sequence change replaces arginine, which is basic and polar, with glutamine, which is neutral and polar, at codon 1011 of the ZNF469 protein (p.Arg1011Gln). This variant is not present in population databases (gnomAD no frequency). This variant has not been reported in the literature in individuals affected with ZNF469-related conditions. ClinVar contains an entry for this variant (Variation ID: 1199860). An algorithm developed to predict the effect of missense changes on protein structure and function outputs the following: PolyPhen-2: "Benign". The glutamine amino acid residue is found in multiple mammalian species, which suggests that this missense change does not adversely affect protein function. In summary, the available evidence is currently insufficient to determine the role of this variant in disease. Therefore, it has been classified as a Variant of Uncertain Significance.

GeneDx
Classification: Uncertain significance. Last evaluated: 2020-07-29. Review status: criteria provided, single submitter. Criteria: GeneDx Variant Classification Process June 2021. Collection method: clinical testing. Allele origin: germline. Affected: yes.
Comment: Not observed in large population cohorts (Lek et al., 2016); In silico analysis supports that this missense variant does not alter protein structure/function; Has not been previously published as pathogenic or benign to our knowledge

NM_001367624.2(ZNF469):c.3032G>A (p.Arg1011Gln)

Gene: ZNF469 (zinc finger protein 469; plus strand). Cytogenetic location: 16q24.2.
Variant type: single nucleotide variant.
Coding change: c.3032G>A on transcript NM_001367624.2 (MANE Select); coding-DNA position 3032, G replaced by A.
Protein change: p.Arg1011Gln; replaces arginine 1011 with glutamine.
Molecular consequence: missense variant.
Genome position (GRCh38, 1-based): chr16:88,430,502, G>A. VCF-style: chr16-88430502-G-A. GRCh37 (hg19) VCF-style: chr16-88496910-G-A.
Other names: NM_001127464.1:c.3032G>A; short protein forms R1011Q.
Identifiers: ClinVar variation 1199860 (VCV001199860.4), dbSNP rs1427915778, ClinGen allele CA397076918.